The following is an entry in ClinVar:

NM_006742.3(PSKH1):c.459C>T (p.Ala153=)

Gene: PSKH1 (protein serine kinase H1; plus strand). Cytogenetic location: 16q22.1.
Variant type: single nucleotide variant.
Coding change: c.459C>T on transcript NM_006742.3 (MANE Select); coding-DNA position 459, C replaced by T.
Protein change: p.Ala153=; no amino-acid change (alanine 153 retained).
Molecular consequence: synonymous variant.
Genome position (GRCh38, 1-based): chr16:67,909,208, C>T. VCF-style: chr16-67909208-C-T. GRCh37 (hg19) VCF-style: chr16-67943111-C-T.
Identifiers: ClinVar variation 4979448 (VCV004979448.1).

ClinVar aggregate classification (germline): Likely benign (1 of 4 stars; one submission).

Conditions:
PSKH1-related condition.

Submission:

PreventionGenetics, part of Exact Sciences
Classification: Likely benign for PSKH1-related condition. Last evaluated: 2025-12-07. Review status: criteria provided, single submitter. Criteria: ACMG Guidelines, 2015. Collection method: clinical testing. Allele origin: germline.
Comment: This variant is classified as likely benign based on ACMG/AMP sequence variant interpretation guidelines (Richards et al. 2015 PMID: 25741868, with internal and published modifications).